The following is an entry in ClinVar:

ClinVar aggregate classification (germline): Uncertain significance (1 of 4 stars; one submission).

Conditions:
Charcot-Marie-Tooth disease, type I (CMT1). Also called: Charcot-Marie-Tooth, Type 1; Charcot-Marie-Tooth disease type 1. Identifiers: Orphanet 65753, MedGen C0751036, MONDO:0019011.

Allele frequency attached by ClinVar (database versions not stated): gnomAD 0.00001; gnomAD exomes 0.00001; TOPMed 0.00002; ESP Exome Variant Server 0.00008.
gnomAD v4.1: 20 of 1,612,122 alleles (0.0012%); highest among the groups gnomAD compares: Non-Finnish European, 0.0016%; no homozygotes.

Submission:

Labcorp Genetics (formerly Invitae), Labcorp
Classification: Uncertain significance for Charcot-Marie-Tooth disease, type I. Last evaluated: 2025-03-11. Review status: criteria provided, single submitter. Criteria: Invitae Variant Classification Sherloc (09022015). Collection method: clinical testing. Allele origin: germline.
Comment: This sequence change replaces arginine, which is basic and polar, with tryptophan, which is neutral and slightly polar, at codon 293 of the EGR2 protein (p.Arg293Trp). This variant is not present in population databases (gnomAD no frequency). This variant has not been reported in the literature in individuals affected with EGR2-related conditions. ClinVar contains an entry for this variant (Variation ID: 1362545). Invitae Evidence Modeling of protein sequence and biophysical properties (such as structural, functional, and spatial information, amino acid conservation, physicochemical variation, residue mobility, and thermodynamic stability) indicates that this missense variant is expected to disrupt EGR2 protein function with a positive predictive value of 80%. In summary, the available evidence is currently insufficient to determine the role of this variant in disease. Therefore, it has been classified as a Variant of Uncertain Significance.

NM_000399.5(EGR2):c.877C>T (p.Arg293Trp)

Gene: EGR2 (early growth response 2; minus strand). Cytogenetic location: 10q21.3.
Variant type: single nucleotide variant.
Coding change: c.877C>T on transcript NM_000399.5 (MANE Select); coding-DNA position 877, C replaced by T.
Protein change: p.Arg293Trp; replaces arginine 293 with tryptophan.
Molecular consequence: missense variant.
Genome position (GRCh38, 1-based): chr10:62,813,761, G>A on the plus strand (C>T on the coding strand, the complement: EGR2 is on the minus strand). VCF-style: chr10-62813761-G-A. GRCh37 (hg19) VCF-style: chr10-64573521-G-A.
Other names: c.877C>T, p.Arg293Trp (NM_001136177.3, NM_001136178.2); c.727C>T, p.Arg243Trp (NM_001136179.3, NM_001321037.2); short protein forms R243W, R293W.
Identifiers: ClinVar variation 1362545 (VCV001362545.8), dbSNP rs371616981, ClinGen allele CA208351511.